The following is an entry in ClinVar:

NM_001257359.2(SAMD14):c.279G>A (p.Pro93=)

Gene: SAMD14 (sterile alpha motif domain containing 14; minus strand). Cytogenetic location: 17q21.33.
Variant type: single nucleotide variant.
Coding change: c.279G>A on transcript NM_001257359.2 (MANE Select); coding-DNA position 279, G replaced by A.
Protein change: p.Pro93=; no amino-acid change (proline 93 retained).
Molecular consequence: synonymous variant.
Genome position (GRCh38, 1-based): chr17:50,117,627, C>T on the plus strand (G>A on the coding strand, the complement: SAMD14 is on the minus strand). VCF-style: chr17-50117627-C-T. GRCh37 (hg19) VCF-style: chr17-48194991-C-T.
Other names: c.279G>A, p.Pro93= (NM_174920.4).
Identifiers: ClinVar variation 4979460 (VCV004979460.1).

ClinVar aggregate classification (germline): Likely benign (1 of 4 stars; one submission).

Conditions:
SAMD14-related disorder. Also called: SAMD14-related condition.

gnomAD v4.1: 42 of 1,559,068 alleles (0.0027%); highest among the groups gnomAD compares: Non-Finnish European, 0.0033%; no homozygotes.

Submission:

PreventionGenetics, part of Exact Sciences
Classification: Likely benign for SAMD14-related condition. Last evaluated: 2024-11-23. Review status: criteria provided, single submitter. Criteria: ACMG Guidelines, 2015. Collection method: clinical testing. Allele origin: germline.
Comment: This variant is classified as likely benign based on ACMG/AMP sequence variant interpretation guidelines (Richards et al. 2015 PMID: 25741868, with internal and published modifications).